The following is an entry in ClinVar:

NM_001754.5(RUNX1):c.689A>G (p.Gln230Arg)

Gene: RUNX1 (RUNX family transcription factor 1; minus strand). Cytogenetic location: 21q22.12.
Variant type: single nucleotide variant.
Coding change: c.689A>G on transcript NM_001754.5 (MANE Select); coding-DNA position 689, A replaced by G.
Protein change: p.Gln230Arg; replaces glutamine 230 with arginine.
Molecular consequence: missense variant.
Genome position (GRCh38, 1-based): chr21:34,834,526, T>C on the plus strand (A>G on the coding strand, the complement: RUNX1 is on the minus strand). VCF-style: chr21-34834526-T-C. GRCh37 (hg19) VCF-style: chr21-36206823-T-C.
Other names: NM_001754.5(RUNX1):c.689A>G; p.Gln230Arg; c.608A>G, p.Gln203Arg (NM_001001890.3, NM_001122607.2); short protein forms Q230R, Q203R.
Identifiers: ClinVar variation 956754 (VCV000956754.10), dbSNP rs2057113892, ClinGen allele CA410206888.
Genomic context (GRCh38, chr21:34,834,526, plus strand): 5'-CGAGGGTTGGGCGTGGGGGCTGGGTGGTGTGGGCTGACCCTCATGGCTGTGCGCCGCAGC[T>C]GCTCCAGTTCACTGAGCCGCTCGGAAAAGGACAAGCTCCCGGGCTTGGTCTGATCATCTA-3'
Protein context (NP_001745.2, residues 220-240): SFSERLSELE[Gln230Arg]LRRTAMRVSP

ClinVar aggregate classification (germline): Uncertain significance. Review status: reviewed by expert panel (3 of 4 stars). 2 submissions from 2 submitters: Uncertain significance (1). 1 of the submissions does not count toward it. Last evaluated 2024-07-11.

Conditions:
Hereditary thrombocytopenia and hematologic cancer predisposition syndrome. Identifiers: Orphanet 71290, MedGen CN281654, MONDO:0011071.
Hereditary thrombocytopenia and hematological cancer predisposition syndrome associated with RUNX1. Also called: Familial Platelet Disorder with Propensity to Acute Myelogenous Leukemia; Familial thrombocytopenia with propensity to acute myelogenous leukemia; RUNX1 Familial Platelet Disorder with Associated Myeloid Malignancies; PLATELET DISORDER, ASPIRIN-LIKE. Identifiers: Orphanet 71290, MedGen C1832388, MeSH C563324, MONDO:0100083, OMIM 601399.

Submissions (2):

ClinGen Myeloid Malignancy Variant Curation Expert Panel
Classification: Uncertain significance for Hereditary thrombocytopenia and hematologic cancer predisposition syndrome. Last evaluated: 2024-07-11. Review status: reviewed by expert panel. Criteria: ClinGen MyeloMalig ACMG Specifications v2. Collection method: curation. Allele origin: germline. Inheritance: Autosomal dominant inheritance.
Comment: NM_001754.5(RUNX1):c.689A>G (p.Gln230Arg) is a missense variant which is completely absent from all population databases with at least 20x coverage for RUNX1 (PM2_supporting). In summary, the clinical significance of this variant is uncertain. ACMG/AMP criteria applied, as specified by the Myeloid Malignancy Variant Curation Expert Panel for RUNX1: PM2_supporting

Labcorp Genetics (formerly Invitae), Labcorp
Classification: Uncertain significance for Hereditary thrombocytopenia and hematological cancer predisposition syndrome associated with RUNX1. Last evaluated: 2022-06-04. Review status: criteria provided, single submitter. Criteria: Invitae Variant Classification Sherloc (09022015). Collection method: clinical testing. Allele origin: germline. Not counted in ClinVar's aggregate classification.
Comment: ClinVar contains an entry for this variant (Variation ID: 956754). This variant is not present in population databases (gnomAD no frequency). This sequence change replaces glutamine, which is neutral and polar, with arginine, which is basic and polar, at codon 230 of the RUNX1 protein (p.Gln230Arg). In summary, the available evidence is currently insufficient to determine the role of this variant in disease. Therefore, it has been classified as a Variant of Uncertain Significance. Algorithms developed to predict the effect of missense changes on protein structure and function (SIFT, PolyPhen-2, Align-GVGD) all suggest that this variant is likely to be tolerated. This variant has not been reported in the literature in individuals affected with RUNX1-related conditions.